The following is an entry in ClinVar:

NM_001267550.2(TTN):c.38421_38437delinsC (p.Pro12808fs)

Gene: TTN (titin; minus strand). Cytogenetic location: 2q31.2.
Variant type: Indel.
Coding change: c.38421_38437delinsC on transcript NM_001267550.2 (MANE Select); coding-DNA positions 38421 to 38437, TCCCAAGGCACCAATCA replaced by C.
Protein change: p.Pro12808fs; shifts the reading frame from proline 12808.
Molecular consequence: frameshift variant. On other transcripts: intron variant (5).
Genome position (GRCh38, 1-based): chr2:178,654,039-178,654,055, TGATTGGTGCCTTGGGA replaced by G on the plus strand (TCCCAAGGCACCAATCA replaced by C on the coding strand, the reverse complement: TTN is on the minus strand). VCF-style: chr2-178654039-TGATTGGTGCCTTGGGA-G. GRCh37 (hg19) VCF-style: chr2-179518766-TGATTGGTGCCTTGGGA-G.
Other names: c.13283-11738_13283-11722delinsC (NM_003319.4); c.13859-11738_13859-11722delinsC (NM_133437.4); c.13658-11738_13658-11722delinsC (NM_133432.3); c.31742-1514_31742-1498delinsC (NM_133378.4); c.34523-1514_34523-1498delinsC (NM_001256850.1); short protein forms P12808fs.
Identifiers: ClinVar variation 4849728 (VCV004849728.1).
Genomic context (GRCh38, chr2:178,654,039, plus strand): 5'-TCTTCTGCAGGATAAGGTTGAGCTGACATGTACCTGTAACTGCGGGGGCTTCTGGTTTTT[TGATTGGTGCCTTGGGA>G]ATTTTCTTTTCTGGGACAACTTCTTGAGCAGCTTCAGGCACTTGAAAGATATTAGTATTT-3'

ClinVar aggregate classification (germline): Likely pathogenic (1 of 4 stars; one submission).

Conditions:
Early-onset myopathy with fatal cardiomyopathy (CMYO5). Also called: Salih Myopathy; CONGENITAL MYOPATHY 5 WITH CARDIOMYOPATHY. Identifiers: Orphanet 289377, MedGen C2673677, MONDO:0012714, OMIM 611705. Disease mechanism: loss of function.

Submission:

Diagnostics Services (NGS), CSIR - Centre For Cellular And Molecular Biology
Classification: Likely pathogenic for Early-onset myopathy with fatal cardiomyopathy. Last evaluated: 2026-01-01. Review status: criteria provided, single submitter. Criteria: ACMG Guidelines, 2015. Collection method: clinical testing. Allele origin: germline. Affected: no. Observed: 1 variant allele, 1 heterozygote.
Comment: The c.38421_38437delinsC variant is not present in publicly available population databases like 1000 Genomes, EVS, gnomAD, Indian Exome Database or our internal database. This variant has neither been published in literature in individuals affected with TTN-related conditions nor reported to clinical databases like Human Genome Mutation Database (HGMD), ClinVar, or OMIM, in any affected individuals. In-silico pathogenicity prediction programs like MutationTaster2021, CADD, Franklin, Varsome etc., predicted this variant to be likely deleterious. This variant causes frameshift at the 12808th amino acid position of the wild-type transcript that creates a premature translational stop signal at the altered transcript that may either result in translation of a truncated protein or cause nonsense mediated decay of the mRNA.